The following is an entry in ClinVar:

NM_000021.4(PSEN1):c.869-1624_956-2452del

Gene: PSEN1 (presenilin 1; plus strand). Cytogenetic location: 14q24.2.
Variant type: Deletion.
Coding change: c.869-1624_956-2452del on transcript NM_000021.4 (MANE Select); 1624 bases into the intron before coding-DNA position 869 through 2452 bases into the intron before coding-DNA position 956, 4,556 bases deleted.
Molecular consequence: splice acceptor variant, splice donor variant.
Genome position (GRCh38, 1-based): chr14:73,204,762-73,209,317, 4,556 bases deleted. GRCh37 (hg19): chr14:73,671,470-73,676,025.
Other names: 4,555-bp deletion of exon 9; NM_000021.2: 4,555-bp deletion of exon 9; c.857-1624_944-2452del (NM_007318.3).
Identifiers: ClinVar variation 38296 (VCV000038296.3), ClinGen allele CA342911.

ClinVar aggregate classification (germline): Pathogenic (0 of 4 stars; one submission).

Conditions:
Alzheimer disease 4 (AD4). Identifiers: Orphanet 1020, MedGen C1847200, MONDO:0011743, OMIM 606889.

Submission:

GeneReviews
Classification: Pathogenic for Early-Onset Familial Alzheimer Disease. Last evaluated: 2010-12-23. Review status: no assertion criteria provided. Collection method: curation. Allele origin: unknown.
ClinVar note: Converted during submission from pathologic to Pathogenic.